The following is an entry in ClinVar:

ClinVar aggregate classification (germline): Uncertain significance (1 of 4 stars; one submission).

Allele frequency attached by ClinVar (database versions not stated): gnomAD 0.00004 and 0.00005; gnomAD exomes 0.00005 and 0.00011; TOPMed 0.00011; ExAC 0.00012.
gnomAD v4.1: 86 of 1,613,860 alleles (0.0053%); highest among the groups gnomAD compares: East Asian, 0.0045%; 1 homozygote.

Submission:

Labcorp Genetics (formerly Invitae), Labcorp
Classification: Uncertain significance. Last evaluated: 2023-08-04. Review status: criteria provided, single submitter. Criteria: Invitae Variant Classification Sherloc (09022015). Collection method: clinical testing. Allele origin: germline.
Comment: In summary, the available evidence is currently insufficient to determine the role of this variant in disease. Therefore, it has been classified as a Variant of Uncertain Significance. Advanced modeling of protein sequence and biophysical properties (such as structural, functional, and spatial information, amino acid conservation, physicochemical variation, residue mobility, and thermodynamic stability) performed at Invitae indicates that this missense variant is expected to disrupt RTTN protein function. ClinVar contains an entry for this variant (Variation ID: 1436144). This missense change has been observed in individual(s) with clinical features of RTTN-related conditions (PMID: 33587123). This variant is present in population databases (rs754194835, gnomAD 0.2%). This sequence change replaces alanine, which is neutral and non-polar, with valine, which is neutral and non-polar, at codon 1254 of the RTTN protein (p.Ala1254Val).

Literature cited by the submitters: PubMed 33587123.

NM_173630.4(RTTN):c.3761C>T (p.Ala1254Val)

Gene: RTTN (rotatin; minus strand). Cytogenetic location: 18q22.2.
Variant type: single nucleotide variant.
Coding change: c.3761C>T on transcript NM_173630.4 (MANE Select); coding-DNA position 3761, C replaced by T.
Protein change: p.Ala1254Val; replaces alanine 1254 with valine.
Molecular consequence: missense variant.
Genome position (GRCh38, 1-based): chr18:70,109,640, G>A on the plus strand (C>T on the coding strand, the complement: RTTN is on the minus strand). VCF-style: chr18-70109640-G-A. GRCh37 (hg19) VCF-style: chr18-67776876-G-A.
Other names: c.1025C>T, p.Ala342Val (NM_001318520.2); short protein forms A1254V, A342V.
Identifiers: ClinVar variation 1436144 (VCV001436144.6), dbSNP rs754194835, ClinGen allele CA8995500.